The following is an entry in ClinVar:

ClinVar aggregate classification (germline): Pathogenic. Review status: criteria provided, multiple submitters, no conflicts (2 of 4 stars). 2 submissions from 2 submitters: Pathogenic (2). Last evaluated 2025-10-19.

Conditions:
Tay-Sachs disease (TSD). Also called: GM2 gangliosidosis, type 1; Hexosaminidase alpha-subunit deficiency (variant B); Sphingolipidosis, Tay-Sachs; Hexosaminidase A Deficiency; HEXA Disorders; HEXA DEFICIENCY. Identifiers: Orphanet 845, MedGen C0039373, MONDO:0010100, OMIM 272800.

Submissions (2):

Myriad Genetics, Inc.
Classification: Pathogenic for Tay-Sachs disease. Last evaluated: 2025-10-19. Review status: criteria provided, single submitter. Criteria: Myriad Autosomal Dominant, Autosomal Recessive and X-Linked Classification Criteria (2023). Collection method: clinical testing. Allele origin: unknown.
Comment: NM_000520.4(HEXA):c.395_398delTCTG(V132Gfs*66) is expected to be pathogenic in the context of hexosaminidase A deficiency. This variant is predicted to lead to an abnormal or absent protein product due to the creation of a premature termination codon in HEXA, a gene where loss-of-function variants are known to be pathogenic. Please note: this variant was assessed in the context of healthy population screening.

Labcorp Genetics (formerly Invitae), Labcorp
Classification: Pathogenic for Tay-Sachs disease. Last evaluated: 2021-10-10. Review status: criteria provided, single submitter. Criteria: Invitae Variant Classification Sherloc (09022015). Collection method: clinical testing. Allele origin: germline.
Comment: For these reasons, this variant has been classified as Pathogenic. This variant has not been reported in the literature in individuals with HEXA-related conditions. This variant is not present in population databases (ExAC no frequency). This sequence change creates a premature translational stop signal (p.Val132Glyfs*66) in the HEXA gene. It is expected to result in an absent or disrupted protein product. Loss-of-function variants in HEXA are known to be pathogenic (PMID: 1833974, 8490625).

Literature cited by the submitters: PubMed 1833974 (cited by Labcorp Genetics (formerly Invitae), Labcorp); PubMed 8490625 (cited by Labcorp Genetics (formerly Invitae), Labcorp).

NM_000520.6(HEXA):c.395_398del (p.Val132fs)

Gene: HEXA (hexosaminidase subunit alpha; minus strand). Cytogenetic location: 15q23.
Variant type: Deletion.
Coding change: c.395_398del on transcript NM_000520.6 (MANE Select); coding-DNA positions 395 to 398, 4 bases deleted (TCTG; older notation c.395_398delTCTG).
Protein change: p.Val132fs; shifts the reading frame from valine 132.
Molecular consequence: frameshift variant. On other transcripts: non-coding transcript variant (1).
Genome position (GRCh38, 1-based): chr15:72,355,573-72,355,576, CAGA deleted on the plus strand (TCTG on the coding strand, the reverse complement: HEXA is on the minus strand); deleting any 4 consecutive bases within chr15:72,355,573-72,355,579 gives the same sequence; the c. name uses the placement nearest the transcript's 3' end. VCF-style (leftmost placement, unchanged base first): chr15-72355572-CCAGA-C. GRCh37 (hg19) VCF-style: chr15-72647913-CCAGA-C.
Other names: c.428_431del, p.Val143fs (NM_001318825.2); short protein forms V132fs, V143fs.
Identifiers: ClinVar variation 1450778 (VCV001450778.7), dbSNP rs2140328176, ClinGen allele CA2573151111.